The following is an entry in ClinVar:

ClinVar aggregate classification (germline): Uncertain significance (1 of 4 stars; one submission).

Conditions:
3-methylglutaconic aciduria, type VIIB (MGCA7B). Also called: CLPB Deficiency; 3-methylglutaconic aciduria, type VII, with cataracts, neurologic involvement and neutropenia; 3-methylglutaconic aciduria with cataracts, neurologic involvement and neutropenia. Identifiers: Orphanet 445038, MedGen C5676893, MONDO:0014561, OMIM 616271.

Submission:

Labcorp Genetics (formerly Invitae), Labcorp
Classification: Uncertain significance for 3-methylglutaconic aciduria, type VIIB. Last evaluated: 2022-04-01. Review status: criteria provided, single submitter. Criteria: Invitae Variant Classification Sherloc (09022015). Collection method: clinical testing. Allele origin: germline.
Comment: In summary, the available evidence is currently insufficient to determine the role of this variant in disease. Therefore, it has been classified as a Variant of Uncertain Significance. Algorithms developed to predict the effect of missense changes on protein structure and function are either unavailable or do not agree on the potential impact of this missense change (SIFT: "Deleterious"; PolyPhen-2: "Probably Damaging"; Align-GVGD: "Class C0"). This variant has not been reported in the literature in individuals affected with CLPB-related conditions. This variant is not present in population databases (gnomAD no frequency). This sequence change replaces alanine, which is neutral and non-polar, with aspartic acid, which is acidic and polar, at codon 395 of the CLPB protein (p.Ala395Asp).

NM_001258392.3(CLPB):c.1094C>A (p.Ala365Asp)

Gene: CLPB (ClpB family mitochondrial disaggregase; minus strand). Cytogenetic location: 11q13.4.
Variant type: single nucleotide variant.
Coding change: c.1094C>A on transcript NM_001258392.3 (MANE Select); coding-DNA position 1094, C replaced by A.
Protein change: p.Ala365Asp; replaces alanine 365 with aspartic acid.
Molecular consequence: missense variant.
Genome position (GRCh38, 1-based): chr11:72,307,227, G>T on the plus strand (C>A on the coding strand, the complement: CLPB is on the minus strand). VCF-style: chr11-72307227-G-T. GRCh37 (hg19) VCF-style: chr11-72018271-G-T.
Other names: c.1007C>A, p.Ala336Asp (NM_001258393.3); c.1049C>A, p.Ala350Asp (NM_001258394.3); c.1184C>A, p.Ala395Asp (NM_030813.6); short protein forms A336D, A365D, A350D, A395D.
Identifiers: ClinVar variation 2120246 (VCV002120246.4), dbSNP rs2539362479, ClinGen allele CA381735651.
Genomic context (GRCh38, chr11:72,307,227, plus strand): 5'-TCTGCAGATCAGACCTAGGTCCCAGTTCTTACCTTTTTAGCATCTTTGTGCATATATTTG[G>T]CTGTCTGCTTGGCCAGCTCTGTTTTTCCTAGTAAGAAAGAAGGGGGAGGTGTTGGGTTAG-3'
Protein context (NP_001245321.1, residues 355-375): IGKTELAKQT[Ala365Asp]KYMHKDAKKG